The following is an entry in ClinVar:

NM_001354930.2(RIPK1):c.679C>A (p.Pro227Thr)

Gene: RIPK1 (receptor interacting serine/threonine kinase 1; plus strand). Cytogenetic location: 6p25.2.
Variant type: single nucleotide variant.
Coding change: c.679C>A on transcript NM_001354930.2 (MANE Select); coding-DNA position 679, C replaced by A.
Protein change: p.Pro227Thr; replaces proline 227 with threonine.
Molecular consequence: missense variant.
Genome position (GRCh38, 1-based): chr6:3,083,304, C>A. VCF-style: chr6-3083304-C-A. GRCh37 (hg19) VCF-style: chr6-3083538-C-A.
Other names: c.190C>A, p.Pro64Thr (NM_001317061.3, NM_001354932.2, NM_001354933.2 and 1 more transcripts); c.541C>A, p.Pro181Thr (NM_001354931.2); c.679C>A, p.Pro227Thr (NM_003804.6); short protein forms P64T, P181T, P227T.
Identifiers: ClinVar variation 3008050 (VCV003008050.3), dbSNP rs2533201326, ClinGen allele CA362579446.

ClinVar aggregate classification (germline): Uncertain significance (1 of 4 stars; one submission).

Allele frequency attached by ClinVar (database versions not stated): gnomAD exomes below 0.00001.
gnomAD v4.1: 1 of 1,612,174 alleles (0.000062%); highest among the groups gnomAD compares: Non-Finnish European, 0.000085%; no homozygotes.

Submission:

Labcorp Genetics (formerly Invitae), Labcorp
Classification: Uncertain significance. Last evaluated: 2023-11-03. Review status: criteria provided, single submitter. Criteria: Invitae Variant Classification Sherloc (09022015). Collection method: clinical testing. Allele origin: germline.
Comment: This sequence change replaces proline, which is neutral and non-polar, with threonine, which is neutral and polar, at codon 227 of the RIPK1 protein (p.Pro227Thr). This variant is not present in population databases (gnomAD no frequency). This variant has not been reported in the literature in individuals affected with RIPK1-related conditions. An algorithm developed to predict the effect of missense changes on protein structure and function (PolyPhen-2) suggests that this variant is likely to be disruptive. In summary, the available evidence is currently insufficient to determine the role of this variant in disease. Therefore, it has been classified as a Variant of Uncertain Significance.